The following is an entry in ClinVar:

NM_024529.5(CDC73):c.1079C>G (p.Pro360Arg)

Gene: CDC73 (cell division cycle 73; plus strand). Cytogenetic location: 1q31.2.
Variant type: single nucleotide variant.
Coding change: c.1079C>G on transcript NM_024529.5 (MANE Select); coding-DNA position 1079, C replaced by G.
Protein change: p.Pro360Arg; replaces proline 360 with arginine.
Molecular consequence: missense variant.
Genome position (GRCh38, 1-based): chr1:193,212,402, C>G. VCF-style: chr1-193212402-C-G. GRCh37 (hg19) VCF-style: chr1-193181532-C-G.
Other names: short protein forms P360R.
Identifiers: ClinVar variation 1925253 (VCV001925253.5), dbSNP rs1677295002, ClinGen allele CA344077529.

ClinVar aggregate classification (germline): Uncertain significance (1 of 4 stars; one submission).

Conditions:
Parathyroid carcinoma (PRTC). Also called: CDC73-Related Parathyroid Carcinoma; Parathyroid gland carcinoma. Identifiers: Orphanet 143, MedGen C0687150, MONDO:0012004, OMIM 608266, HP:0006780.

Submission:

Labcorp Genetics (formerly Invitae), Labcorp
Classification: Uncertain significance for Parathyroid carcinoma. Last evaluated: 2022-06-09. Review status: criteria provided, single submitter. Criteria: Invitae Variant Classification Sherloc (09022015). Collection method: clinical testing. Allele origin: germline.
Comment: This sequence change replaces proline, which is neutral and non-polar, with arginine, which is basic and polar, at codon 360 of the CDC73 protein (p.Pro360Arg). In summary, the available evidence is currently insufficient to determine the role of this variant in disease. Therefore, it has been classified as a Variant of Uncertain Significance. Algorithms developed to predict the effect of missense changes on protein structure and function are either unavailable or do not agree on the potential impact of this missense change (SIFT: "Deleterious"; PolyPhen-2: "Probably Damaging"; Align-GVGD: "Class C0"). This variant has not been reported in the literature in individuals affected with CDC73-related conditions. This variant is not present in population databases (gnomAD no frequency).